The following is an entry in ClinVar:

NM_174916.3(UBR1):c.4745dup (p.Asn1582fs)

Gene: UBR1 (ubiquitin protein ligase E3 component n-recognin 1; minus strand). Cytogenetic location: 15q15.2.
Variant type: Duplication.
Coding change: c.4745dup on transcript NM_174916.3 (MANE Select); coding-DNA position 4745, one base duplicated (A; older notation c.4745dupA).
Protein change: p.Asn1582fs; shifts the reading frame from asparagine 1582.
Molecular consequence: frameshift variant.
Genome position (GRCh38, 1-based): chr15:42,960,657, T duplicated on the plus strand (A on the coding strand, the reverse complement: UBR1 is on the minus strand); the first of 7 consecutive T bases (chr15:42,960,657-42,960,663); duplicating any one gives the same sequence. VCF-style (leftmost placement, unchanged base first): chr15-42960656-G-GT. GRCh37 (hg19) VCF-style: chr15-43252854-G-GT.
Other names: short protein forms N1582fs.
Identifiers: ClinVar variation 2876798 (VCV002876798.3), dbSNP rs1873545198, ClinGen allele CA645570246.

ClinVar aggregate classification (germline): Pathogenic (1 of 4 stars; one submission).

Submission:

Labcorp Genetics (formerly Invitae), Labcorp
Classification: Pathogenic. Last evaluated: 2023-02-16. Review status: criteria provided, single submitter. Criteria: Invitae Variant Classification Sherloc (09022015). Collection method: clinical testing. Allele origin: germline.
Comment: This sequence change creates a premature translational stop signal (p.Asn1582Lysfs*8) in the UBR1 gene. It is expected to result in an absent or disrupted protein product. Loss-of-function variants in UBR1 are known to be pathogenic (PMID: 24599544). This variant is not present in population databases (gnomAD no frequency). This variant has not been reported in the literature in individuals affected with UBR1-related conditions. For these reasons, this variant has been classified as Pathogenic.

Literature cited by the submitters: PubMed 24599544.